The following is an entry in ClinVar:

NM_001001557.4(GDF6):c.158G>A (p.Arg53Gln)

Gene: GDF6 (growth differentiation factor 6; minus strand). Cytogenetic location: 8q22.1.
Variant type: single nucleotide variant.
Coding change: c.158G>A on transcript NM_001001557.4 (MANE Select); coding-DNA position 158, G replaced by A.
Protein change: p.Arg53Gln; replaces arginine 53 with glutamine.
Molecular consequence: missense variant.
Genome position (GRCh38, 1-based): chr8:96,160,535, C>T on the plus strand (G>A on the coding strand, the complement: GDF6 is on the minus strand). VCF-style: chr8-96160535-C-T. GRCh37 (hg19) VCF-style: chr8-97172763-C-T.
Other names: short protein forms R53Q.
Identifiers: ClinVar variation 2102731 (VCV002102731.4), dbSNP rs2487849710, ClinGen allele CA371753829.

ClinVar aggregate classification (germline): Uncertain significance (1 of 4 stars; one submission).

Conditions:
Isolated microphthalmia 4. Identifiers: Orphanet 2542, MedGen C2751307, MONDO:0013130, OMIM 613094.
Microphthalmia, isolated, with coloboma 6 (MCOPCB6). Also called: Microphthalmia with coloboma 6, digenic; Microphthalmia with coloboma 6; MICROPHTHALMIA/COLOBOMA 6. Identifiers: Orphanet 98938, MedGen C3150968, MONDO:0013376, OMIM 613703.
Leber congenital amaurosis 17 (LCA17). Identifiers: Orphanet 65, MedGen C3715164, MONDO:0014145, OMIM 615360.
Klippel-Feil syndrome 1, autosomal dominant (KFS1). Also called: CERVICAL VERTEBRAL FUSION, AUTOSOMAL DOMINANT. Identifiers: Orphanet 2345, MedGen C1861689, MONDO:0007306, OMIM 118100.

Submission:

Labcorp Genetics (formerly Invitae), Labcorp
Classification: Uncertain significance for Isolated microphthalmia 4; Leber congenital amaurosis 17; Klippel-Feil syndrome 1, autosomal dominant; Microphthalmia, isolated, with coloboma 6. Last evaluated: 2022-02-23. Review status: criteria provided, single submitter. Criteria: Invitae Variant Classification Sherloc (09022015). Collection method: clinical testing. Allele origin: germline.
Comment: In summary, the available evidence is currently insufficient to determine the role of this variant in disease. Therefore, it has been classified as a Variant of Uncertain Significance. Algorithms developed to predict the effect of missense changes on protein structure and function are either unavailable or do not agree on the potential impact of this missense change (SIFT: "Tolerated"; PolyPhen-2: "Possibly Damaging"; Align-GVGD: "Class C0"). This variant has not been reported in the literature in individuals affected with GDF6-related conditions. This variant is not present in population databases (gnomAD no frequency). This sequence change replaces arginine, which is basic and polar, with glutamine, which is neutral and polar, at codon 53 of the GDF6 protein (p.Arg53Gln).